The following is an entry in ClinVar:

ClinVar aggregate classification (germline): Uncertain significance. Review status: criteria provided, multiple submitters, no conflicts (2 of 4 stars). 3 submissions from 3 submitters: Uncertain significance (3). Last evaluated 2024-12-03.

Conditions:
Cardiovascular phenotype. Identifiers: MedGen CN230736.
Hereditary cancer-predisposing syndrome. Also called: Hereditary neoplastic syndrome; Tumor predisposition; Neoplastic Syndromes, Hereditary; Hereditary Cancer Syndrome. Identifiers: Orphanet 140162, MedGen C0027672, MeSH D009386, MONDO:0015356.
Neurofibromatosis, type 1 (NF1). Also called: Neurofibromatosis, type I; VON RECKLINGHAUSEN DISEASE; NEUROFIBROMATOSIS, TYPE I, SOMATIC; Peripheral type neurofibromatosis. Identifiers: Orphanet 636, MedGen C0027831, MONDO:0018975, OMIM 162200. Disease mechanism: loss of function.

Submissions (3):

Quest Diagnostics Nichols Institute San Juan Capistrano
Classification: Uncertain significance. Last evaluated: 2024-12-03. Review status: criteria provided, single submitter. Criteria: Quest Diagnostics criteria. Collection method: clinical testing. Allele origin: unknown.

Ambry Genetics
Classification: Uncertain significance for Cardiovascular phenotype; Hereditary cancer-predisposing syndrome. Last evaluated: 2024-02-06. Review status: criteria provided, single submitter. Criteria: Ambry Variant Classification Scheme 2023. Collection method: clinical testing. Allele origin: germline.
Comment: The p.A1387D variant (also known as c.4160C>A), located in coding exon 31 of the NF1 gene, results from a C to A substitution at nucleotide position 4160. The alanine at codon 1387 is replaced by aspartic acid, an amino acid with dissimilar properties. This amino acid position is conserved. In addition, this alteration is predicted to be deleterious by in silico analysis. Based on the available evidence, the clinical significance of this alteration remains unclear.

Labcorp Genetics (formerly Invitae), Labcorp
Classification: Uncertain significance for Neurofibromatosis, type 1. Last evaluated: 2021-08-27. Review status: criteria provided, single submitter. Criteria: Invitae Variant Classification Sherloc (09022015). Collection method: clinical testing. Allele origin: germline.

NM_001042492.3(NF1):c.4223C>A (p.Ala1408Asp)

Gene: NF1 (neurofibromin 1; plus strand). Cytogenetic location: 17q11.2.
Variant type: single nucleotide variant.
Coding change: c.4223C>A on transcript NM_001042492.3 (MANE Select); coding-DNA position 4223, C replaced by A.
Protein change: p.Ala1408Asp; replaces alanine 1408 with aspartic acid.
Molecular consequence: missense variant.
Genome position (GRCh38, 1-based): chr17:31,258,393, C>A. VCF-style: chr17-31258393-C-A. GRCh37 (hg19) VCF-style: chr17-29585411-C-A.
Other names: c.4160C>A, p.Ala1387Asp (NM_000267.4); short protein forms A1387D, A1408D.
Identifiers: ClinVar variation 1475529 (VCV001475529.6), dbSNP rs2151461922, ClinGen allele CA398997775.
Genomic context (GRCh38, chr17:31,258,393, plus strand): 5'-CTTGTTTTTAGGTGGTTAGCCAGCGTTTCCCTCAGAACAGCATCGGTGCAGTAGGAAGTG[C>A]CATGTTCCTCAGATTTATCAATCCTGCCATTGTCTCACCGTATGAAGCAGGGATTTTAGA-3'
Protein context (NP_001035957.1, residues 1398-1418): PQNSIGAVGS[Ala1408Asp]MFLRFINPAI